The following is an entry in ClinVar:

NM_001291415.2(KDM6A):c.3532A>G (p.Ile1178Val)

Gene: KDM6A (lysine demethylase 6A; plus strand). Cytogenetic location: Xp11.3.
Variant type: single nucleotide variant.
Coding change: c.3532A>G on transcript NM_001291415.2 (MANE Select); coding-DNA position 3532, A replaced by G.
Protein change: p.Ile1178Val; replaces isoleucine 1178 with valine.
Molecular consequence: missense variant. On other transcripts: non-coding transcript variant (1).
Genome position (GRCh38, 1-based): chrX:45,083,551, A>G. VCF-style: chrX-45083551-A-G. GRCh37 (hg19) VCF-style: chrX-44942796-A-G.
Other names: c.3397A>G, p.Ile1133Val (NM_001291416.2); c.3241A>G, p.Ile1081Val (NM_001291417.2); c.3139A>G, p.Ile1047Val (NM_001291418.2); c.2488A>G, p.Ile830Val (NM_001291421.2); c.3274A>G, p.Ile1092Val (NM_001410742.1); c.3376A>G, p.Ile1126Val (NM_021140.4); short protein forms I830V, I1047V, I1081V, I1092V, I1126V, I1133V, I1178V.
Identifiers: ClinVar variation 1723605 (VCV001723605.3), dbSNP rs1431712406, ClinGen allele CA412804606.

ClinVar aggregate classification (germline): Likely benign (1 of 4 stars; one submission).

Allele frequency attached by ClinVar (database versions not stated): gnomAD exomes below 0.00001; TOPMed 0.00001.
gnomAD v4.1: 2 of 1,207,579 alleles (0.00017%); highest among the groups gnomAD compares: Non-Finnish European, 0.00022%; no homozygotes.

Submission:

GeneDx
Classification: Likely benign. Last evaluated: 2024-02-06. Review status: criteria provided, single submitter. Criteria: GeneDx Variant Classification Process June 2021. Collection method: clinical testing. Allele origin: germline. Affected: yes.
Comment: See Variant Classification Assertion Criteria.